The following is an entry in ClinVar:

ClinVar aggregate classification (germline): Uncertain significance (1 of 4 stars; one submission).

Conditions:
Catecholaminergic polymorphic ventricular tachycardia (CVPT). Also called: Catecholamine-induced polymorphic ventricular tachycardia. Identifiers: Orphanet 3286, MedGen C5574922, MONDO:0017990.

Submission:

All of Us Research Program, National Institutes of Health
Classification: Uncertain significance for Catecholaminergic polymorphic ventricular tachycardia. Last evaluated: 2023-08-15. Review status: criteria provided, single submitter. Criteria: ACMG Guidelines, 2015. Collection method: clinical testing. Allele origin: germline. Inheritance: Autosomal dominant inheritance. Observed: 1 variant allele, 1 heterozygote.
Comment: This missense variant replaces glycine with arginine at codon 2147 of the RYR2 protein. Computational prediction suggests that this variant may have deleterious impact on protein structure and function (internally defined REVEL score threshold >= 0.7, PMID: 27666373). To our knowledge, functional studies have not been reported for this variant. This variant has not been reported in individuals affected with RYR2-related disorders in the literature. This variant has not been identified in the general population by the Genome Aggregation Database (gnomAD). The available evidence is insufficient to determine the role of this variant in disease conclusively. Therefore, this variant is classified as a Variant of Uncertain Significance.

This study involves interpretation of variants in research participants for the purpose of population health screening. Participant phenotype was not available at the time of variant classification. Additional details can be found in publication PMID: 35346344, PMCID: PMC8962531

NM_001035.3(RYR2):c.6439G>C (p.Gly2147Arg)

Gene: RYR2 (ryanodine receptor 2; plus strand). Cytogenetic location: 1q43.
Variant type: single nucleotide variant.
Coding change: c.6439G>C on transcript NM_001035.3 (MANE Select); coding-DNA position 6439, G replaced by C.
Protein change: p.Gly2147Arg; replaces glycine 2147 with arginine.
Molecular consequence: missense variant.
Genome position (GRCh38, 1-based): chr1:237,628,079, G>C. VCF-style: chr1-237628079-G-C. GRCh37 (hg19) VCF-style: chr1-237791379-G-C.
Other names: short protein forms G2147R.
Identifiers: ClinVar variation 3072966 (VCV003072966.1), dbSNP rs2546889992, ClinGen allele CA345411552.